The following is an entry in ClinVar:

NM_015374.3(SUN2):c.1421G>A (p.Gly474Glu)

Genes: GTPBP1 (GTP binding protein 1; plus strand), SUN2 (Sad1 and UNC84 domain containing 2; minus strand). Cytogenetic location: 22q13.1.
Variant type: single nucleotide variant.
Coding change: c.1421G>A on transcript NM_015374.3 (MANE Select); coding-DNA position 1421, G replaced by A.
Protein change: p.Gly474Glu; replaces glycine 474 with glutamic acid.
Molecular consequence: missense variant.
Genome position (GRCh38, 1-based): chr22:38,739,879, C>T on the plus strand (G>A on the coding strand, the complement: SUN2 is on the minus strand). VCF-style: chr22-38739879-C-T. GRCh37 (hg19) VCF-style: chr22-39135884-C-T.
Other names: c.1484G>A, p.Gly495Glu (NM_001199579.2, NM_001394428.1); c.1421G>A, p.Gly474Glu (NM_001199580.2, NM_001394431.1, NM_001394432.1 and 5 more transcripts); c.1514G>A, p.Gly505Glu (NM_001394427.1); c.1466G>A, p.Gly489Glu (NM_001394429.1, NM_001394430.1); c.1331G>A, p.Gly444Glu (NM_001394438.1); c.1283G>A, p.Gly428Glu (NM_001394439.1, NM_001394440.1, NM_001394441.1); c.1022G>A, p.Gly341Glu (NM_001394442.1); c.929G>A, p.Gly310Glu (NM_001394443.1); and 1 more; short protein forms G310E, G341E, G428E, G505E, G282E, G444E, G495E, G489E.
Identifiers: ClinVar variation 4740544 (VCV004740544.1).

ClinVar aggregate classification (germline): Uncertain significance (1 of 4 stars; one submission).

Conditions:
Emery-Dreifuss muscular dystrophy (EDMD). Also called: Scapuloperoneal syndrome, X-linked (formerly); Humeroperoneal neuromuscular disease, (formerly). Identifiers: Orphanet 261, MedGen C0410189, MONDO:0016830.

gnomAD v4.1: 17 of 1,613,214 alleles (0.0011%); highest among the groups gnomAD compares: Non-Finnish European, 0.0014%; no homozygotes.

Submission:

Labcorp Genetics (formerly Invitae), Labcorp
Classification: Uncertain significance for Emery-Dreifuss muscular dystrophy. Last evaluated: 2025-10-17. Review status: criteria provided, single submitter. Criteria: Invitae Variant Classification Sherloc (09022015). Collection method: clinical testing. Allele origin: germline.
Comment: This sequence change replaces glycine, which is neutral and non-polar, with glutamic acid, which is acidic and polar, at codon 474 of the SUN2 protein (p.Gly474Glu). The frequency data for this variant in the population databases is considered unreliable, as metrics indicate poor data quality at this position in the gnomAD database. This variant has not been reported in the literature in individuals affected with SUN2-related conditions. An algorithm developed to predict the effect of missense changes on protein structure and function (PolyPhen-2) suggests that this variant is likely to be disruptive. In summary, the available evidence is currently insufficient to determine the role of this variant in disease. Therefore, it has been classified as a Variant of Uncertain Significance.